The following is an entry in ClinVar:

ClinVar aggregate classification (germline): Pathogenic. Review status: criteria provided, multiple submitters, no conflicts (2 of 4 stars). 2 submissions from 2 submitters: Pathogenic (2). Last evaluated 2026-01-06.

Conditions:
Neurofibromatosis, type 1 (NF1). Also called: Neurofibromatosis, type I; NEUROFIBROMATOSIS, TYPE I, SOMATIC; VON RECKLINGHAUSEN DISEASE; Peripheral type neurofibromatosis. Identifiers: Orphanet 636, MedGen C0027831, MONDO:0018975, OMIM 162200. Disease mechanism: loss of function.

Submissions (2):

Labcorp Genetics (formerly Invitae), Labcorp
Classification: Pathogenic for Neurofibromatosis, type 1. Last evaluated: 2026-01-06. Review status: criteria provided, single submitter. Criteria: Invitae Variant Classification Sherloc (09022015). Collection method: clinical testing. Allele origin: germline.
Comment: This sequence change creates a premature translational stop signal (p.Leu79*) in the NF1 gene. It is expected to result in an absent or disrupted protein product. Loss-of-function variants in NF1 are known to be pathogenic (PMID: 10712197, 23913538). This variant is not present in population databases (gnomAD no frequency). This premature translational stop signal has been observed in individual(s) with neurofibromatosis type 1 (PMID: 31766501). ClinVar contains an entry for this variant (Variation ID: 1675296). For these reasons, this variant has been classified as Pathogenic.

GeneDx
Classification: Pathogenic. Last evaluated: 2022-03-29. Review status: criteria provided, single submitter. Criteria: GeneDx Variant Classification Process June 2021. Collection method: clinical testing. Allele origin: germline. Affected: yes.
Comment: Nonsense variant predicted to result in protein truncation or nonsense mediated decay in a gene for which loss-of-function is a known mechanism of disease; Not observed at significant frequency in large population cohorts (gnomAD); Has not been previously published as germline pathogenic or benign to our knowledge; This variant is associated with the following publications: (PMID: 22798288)

Literature cited by the submitters: PubMed 10712197 (cited by Labcorp Genetics (formerly Invitae), Labcorp); PubMed 23913538 (cited by Labcorp Genetics (formerly Invitae), Labcorp); PubMed 31766501 (cited by Labcorp Genetics (formerly Invitae), Labcorp).

NM_001042492.3(NF1):c.236T>A (p.Leu79Ter)

Gene: NF1 (neurofibromin 1; plus strand). Cytogenetic location: 17q11.2.
Variant type: single nucleotide variant.
Coding change: c.236T>A on transcript NM_001042492.3 (MANE Select); coding-DNA position 236, T replaced by A.
Protein change: p.Leu79Ter; replaces leucine 79 with a stop codon.
Molecular consequence: nonsense.
Genome position (GRCh38, 1-based): chr17:31,159,041, T>A. VCF-style: chr17-31159041-T-A. GRCh37 (hg19) VCF-style: chr17-29486059-T-A.
Other names: c.236T>A, p.Leu79Ter (NM_000267.4, NM_001128147.3); short protein forms L79*.
Identifiers: ClinVar variation 1675296 (VCV001675296.3), dbSNP rs1597629765, ClinGen allele CA398989591.
Genomic context (GRCh38, chr17:31,159,041, plus strand): 5'-TTTTATGTTCTGAATATCTTTTCTGTTAGAGAATATTTGGAGAAGCTGCTGAAAAAAATT[T>A]ATATCTCTCTCAGTTGATTATATTGGATACACTGGAAAAATGTCTTGCTGGGGTAAGTAA-3'